The following is an entry in ClinVar:

ClinVar aggregate classification (germline): Uncertain significance. Review status: criteria provided, multiple submitters, no conflicts (2 of 4 stars). 2 submissions from 2 submitters: Uncertain significance (2). Last evaluated 2026-07-20.

Conditions:
Hereditary cancer-predisposing syndrome. Also called: Hereditary Cancer Syndrome; Tumor predisposition; Neoplastic Syndromes, Hereditary; Hereditary neoplastic syndrome. Identifiers: Orphanet 140162, MedGen C0027672, MeSH D009386, MONDO:0015356.
Neuroblastoma, susceptibility to, 3. Also called: ALK-Related Neuroblastic Tumor Susceptibility. Identifiers: Orphanet 635, MedGen C2751681, MONDO:0013083, OMIM 613014.

Submissions (2):

Ambry Genetics
Classification: Uncertain significance for Hereditary cancer-predisposing syndrome. Last evaluated: 2026-07-20. Review status: criteria provided, single submitter. Criteria: Ambry Variant Classification Scheme 2023. Collection method: clinical testing. Allele origin: germline.
Comment: The c.2041+2T>C intronic variant results from a T to C substitution two nucleotides after coding exon 11 in the ALK gene. This nucleotide position is highly conserved in available vertebrate species. In silico splice site analysis predicts that this alteration will weaken the native splice donor site and will result in the creation or strengthening of a novel splice donor site. Variants that disrupt the canonical splice site are expected to cause aberrant splicing, resulting in an abnormal protein or a transcript that is subject to nonsense-mediated mRNA decay; however, +2T>C variants are capable of generating wild-type transcripts in some genomic contexts and should be interpreted with caution (Lin JH et al. Hum Mutat. 2019 10;40:1856-1873). Based on the available evidence, the clinical significance of this variant remains unclear.

Labcorp Genetics (formerly Invitae), Labcorp
Classification: Uncertain significance for Neuroblastoma, susceptibility to, 3. Last evaluated: 2025-07-30. Review status: criteria provided, single submitter. Criteria: Invitae Variant Classification Sherloc (09022015). Collection method: clinical testing. Allele origin: germline.
Comment: This sequence change affects a donor splice site in intron 11 of the ALK gene. It is expected to disrupt RNA splicing. Variants that disrupt the donor or acceptor splice site typically lead to a loss of protein function (PMID: 16199547), however the current clinical and genetic evidence is not sufficient to establish whether loss-of-function variants in ALK cause disease. This variant is not present in population databases (gnomAD no frequency). This variant has not been reported in the literature in individuals affected with ALK-related conditions. ClinVar contains an entry for this variant (Variation ID: 1442044). Algorithms developed to predict the effect of sequence changes on RNA splicing suggest that this variant may disrupt the consensus splice site. In summary, the available evidence is currently insufficient to determine the role of this variant in disease. Therefore, it has been classified as a Variant of Uncertain Significance.

Literature cited by the submitters: PubMed 16199547 (cited by Labcorp Genetics (formerly Invitae), Labcorp).

NM_004304.5(ALK):c.2041+2T>C

Gene: ALK (ALK receptor tyrosine kinase; minus strand). Cytogenetic location: 2p23.2.
Variant type: single nucleotide variant.
Coding change: c.2041+2T>C on transcript NM_004304.5 (MANE Select); the canonical splice donor site of the intron after coding-DNA position 2041, T replaced by C.
Molecular consequence: splice donor variant.
Genome position (GRCh38, 1-based): chr2:29,275,097, A>G on the plus strand (T>C on the coding strand, the complement: ALK is on the minus strand). VCF-style: chr2-29275097-A-G. GRCh37 (hg19) VCF-style: chr2-29497963-A-G.
Other names: c.2041+2T>C (NM_004304.4).
Identifiers: ClinVar variation 1442044 (VCV001442044.7), dbSNP rs2148214956, ClinGen allele CA346479556.